The following is an entry in ClinVar:

ClinVar aggregate classification (germline): Uncertain significance (1 of 4 stars; one submission).

Submission:

GeneDx
Classification: Uncertain significance. Last evaluated: 2024-12-27. Review status: criteria provided, single submitter. Criteria: GeneDx Variant Classification Process June 2021. Collection method: clinical testing. Allele origin: germline. Affected: yes.
Comment: Not observed at significant frequency in large population cohorts (gnomAD); In silico analysis supports that this missense variant has a deleterious effect on protein structure/function; Has not been previously published as pathogenic or benign to our knowledge; In silico analysis is inconclusive as to whether the variant alters gene splicing. In the absence of RNA/functional studies, the actual effect of this sequence change is unknown.

NM_000719.7(CACNA1C):c.3889G>A (p.Asp1297Asn)

Gene: CACNA1C (calcium voltage-gated channel subunit alpha1 C; plus strand). Cytogenetic location: 12p13.33.
Variant type: single nucleotide variant.
Coding change: c.3889G>A on transcript NM_000719.7 (MANE Select); coding-DNA position 3889, G replaced by A.
Protein change: p.Asp1297Asn; replaces aspartic acid 1297 with asparagine.
Molecular consequence: missense variant. On other transcripts: intron variant (6).
Genome position (GRCh38, 1-based): chr12:2,634,357, G>A. VCF-style: chr12-2634357-G-A. GRCh37 (hg19) VCF-style: chr12-2743523-G-A.
Other names: c.4033G>A, p.Asp1345Asn (NM_001129827.2, NM_199460.4); c.3889G>A, p.Asp1297Asn (NM_001129829.2, NM_001129830.3, NM_001129834.2 and 8 more transcripts); c.3973G>A, p.Asp1325Asn (NM_001129831.2, NM_001129836.2); c.3949G>A, p.Asp1317Asn (NM_001129832.2); c.3912+645G>A (NM_001167624.3, NM_001167623.2, NM_001129833.2 and 2 more transcripts); c.3903+645G>A (NM_001129844.2); short protein forms D1297N, D1317N, D1325N, D1345N.
Identifiers: ClinVar variation 3908034 (VCV003908034.1).